The following is an entry in ClinVar:

NM_001386795.1(DTNA):c.675G>A (p.Leu225=)

Gene: DTNA (dystrobrevin alpha; plus strand). Cytogenetic location: 18q12.1.
Variant type: single nucleotide variant.
Coding change: c.675G>A on transcript NM_001386795.1 (MANE Select); coding-DNA position 675, G replaced by A.
Protein change: p.Leu225=; no amino-acid change (leucine 225 retained).
Molecular consequence: synonymous variant. On other transcripts: intron variant (1).
Genome position (GRCh38, 1-based): chr18:34,815,980, G>A. VCF-style: chr18-34815980-G-A. GRCh37 (hg19) VCF-style: chr18-32395944-G-A.
Other names: c.675G>A, p.Leu225= (NM_001128175.2, NM_001198938.2, NM_001198939.2 and 34 more transcripts); c.603+3867G>A (NM_001198945.2).
Identifiers: ClinVar variation 386495 (VCV000386495.8), dbSNP rs376519672, ClinGen allele CA8935437.

ClinVar aggregate classification (germline): Benign/Likely benign. Review status: criteria provided, multiple submitters, no conflicts (2 of 4 stars). 4 submissions from 4 submitters: Benign (1); Likely benign (3). Last evaluated 2026-06-01.

Conditions:
DTNA-related disorder. Also called: DTNA-related condition.
Left ventricular noncompaction 1 (LVNC1). Also called: LEFT VENTRICULAR NONCOMPACTION 1 WITH OR WITHOUT CONGENITAL HEART DEFECTS. Identifiers: Orphanet 54260, MedGen C1858725, MONDO:0011403, OMIM 604169.

Allele frequency attached by ClinVar (database versions not stated): gnomAD exomes 0.00003 and 0.00005; ExAC 0.00004; TOPMed 0.00007; ESP Exome Variant Server 0.00008.
gnomAD v4.1: 52 of 1,613,704 alleles (0.0032%); highest among the groups gnomAD compares: Admixed American, 0.0033%; 1 homozygote.

Submissions (4):

PreventionGenetics, part of Exact Sciences
Classification: Likely benign for DTNA-related condition. Last evaluated: 2026-06-01. Review status: criteria provided, single submitter. Criteria: ACMG Guidelines, 2015. Collection method: clinical testing. Allele origin: germline.
Comment: This variant is classified as likely benign based on ACMG/AMP sequence variant interpretation guidelines (Richards et al. 2015 PMID: 25741868, with internal and published modifications).

Labcorp Genetics (formerly Invitae), Labcorp
Classification: Likely benign for Left ventricular noncompaction 1. Last evaluated: 2026-01-15. Review status: criteria provided, single submitter. Criteria: Invitae Variant Classification Sherloc (09022015). Collection method: clinical testing. Allele origin: germline.

GeneDx
Classification: Likely benign. Last evaluated: 2021-06-09. Review status: criteria provided, single submitter. Criteria: GeneDx Variant Classification Process June 2021. Collection method: clinical testing. Allele origin: germline. Affected: yes.

Women's Health and Genetics/Laboratory Corporation of America, LabCorp
Classification: Benign. Last evaluated: 2020-08-30. Review status: criteria provided, single submitter. Criteria: LabCorp Variant Classification Summary - May 2015. Collection method: clinical testing. Allele origin: germline.